The following is an entry in ClinVar:

NM_198239.2(CCN6):c.2T>C (p.Met1Thr)

Gene: CCN6 (cellular communication network factor 6; plus strand). Cytogenetic location: 6q21.
Variant type: single nucleotide variant.
Coding change: c.2T>C on transcript NM_198239.2 (MANE Select); coding-DNA position 2, T replaced by C.
Protein change: p.Met1Thr; changes the start codon (methionine 1).
Molecular consequence: missense variant, initiator codon variant. On other transcripts: non-coding transcript variant (2).
Genome position (GRCh38, 1-based): chr6:112,054,359, T>C. VCF-style: chr6-112054359-T-C. GRCh37 (hg19) VCF-style: chr6-112375562-T-C.
Other names: c.2T>C, p.Met1Thr (NM_003880.4); short protein forms M1T.
Identifiers: ClinVar variation 2803165 (VCV002803165.3), dbSNP rs1776281475, ClinGen allele CA365364899.

ClinVar aggregate classification (germline): Pathogenic (1 of 4 stars; one submission).

Allele frequency attached by ClinVar (database versions not stated): TOPMed below 0.00001.

Submission:

Labcorp Genetics (formerly Invitae), Labcorp
Classification: Pathogenic. Last evaluated: 2023-06-23. Review status: criteria provided, single submitter. Criteria: Invitae Variant Classification Sherloc (09022015). Collection method: clinical testing. Allele origin: germline.
Comment: This sequence change affects the initiator methionine of the WISP3 mRNA. The next in-frame methionine is located at codon 195. For these reasons, this variant has been classified as Pathogenic. This variant disrupts a region of the WISP3 protein in which other variant(s) (p.Ser66Asn) have been determined to be pathogenic (PMID: 22791401, 26991965; Invitae). This suggests that this is a clinically significant region of the protein, and that variants that disrupt it are likely to be disease-causing. This variant has not been reported in the literature in individuals affected with WISP3-related conditions. This variant is not present in population databases (gnomAD no frequency).

Literature cited by the submitters: PubMed 22791401; PubMed 26991965.